The following is an entry in ClinVar:

ClinVar aggregate classification (germline): Conflicting classifications of pathogenicity. Review status: criteria provided, conflicting classifications (1 of 4 stars). 3 submissions from 3 submitters: Uncertain significance (1); Likely benign (2). Last evaluated 2025-06-25.

Conditions:
Cardiovascular phenotype. Identifiers: MedGen CN230736.
Catecholaminergic polymorphic ventricular tachycardia 1. Also called: VENTRICULAR TACHYCARDIA, CATECHOLAMINERGIC POLYMORPHIC, 1, WITH OR WITHOUT ATRIAL DYSFUNCTION AND/OR DILATED CARDIOMYOPATHY; RYR2-Related Catecholaminergic Polymorphic Ventricular Tachycardia; VENTRICULAR TACHYCARDIA, STRESS-INDUCED POLYMORPHIC 1. Identifiers: Orphanet 3286, MedGen C1631597, MONDO:0011484, OMIM 604772.
Catecholaminergic polymorphic ventricular tachycardia (CVPT). Also called: Catecholamine-induced polymorphic ventricular tachycardia. Identifiers: Orphanet 3286, MedGen C5574922, MONDO:0017990.

gnomAD v4.1: 1 of 1,613,888 alleles (0.000062%); highest among the groups gnomAD compares: African/African-American, 0.0013%; no homozygotes.

Submissions (3):

Ambry Genetics
Classification: Likely benign for Cardiovascular phenotype. Last evaluated: 2025-06-25. Review status: criteria provided, single submitter. Criteria: Ambry Variant Classification Scheme 2023. Collection method: clinical testing. Allele origin: germline.

Labcorp Genetics (formerly Invitae), Labcorp
Classification: Likely benign for Catecholaminergic polymorphic ventricular tachycardia 1. Last evaluated: 2024-07-09. Review status: criteria provided, single submitter. Criteria: Invitae Variant Classification Sherloc (09022015). Collection method: clinical testing. Allele origin: germline.

All of Us Research Program, National Institutes of Health
Classification: Uncertain significance for Catecholaminergic polymorphic ventricular tachycardia. Last evaluated: 2023-12-13. Review status: criteria provided, single submitter. Criteria: ACMG Guidelines, 2015. Collection method: clinical testing. Allele origin: germline. Inheritance: Autosomal dominant inheritance. Observed: 1 variant allele, 1 heterozygote.
Comment: This missense variant replaces glutamine with arginine at codon 1762 of the RYR2 protein. Computational prediction suggests that this variant may not impact protein structure and function (internally defined REVEL score threshold <= 0.5, PMID: 27666373). To our knowledge, functional studies have not been reported for this variant. This variant has not been reported in individuals affected with RYR2-related disorders in the literature. This variant has been identified in 1/31390 chromosomes in the general population by the Genome Aggregation Database (gnomAD). The available evidence is insufficient to determine the role of this variant in disease conclusively. Therefore, this variant is classified as a Variant of Uncertain Significance.

This study involves interpretation of variants in research participants for the purpose of population health screening. Participant phenotype was not available at the time of variant classification. Additional details can be found in publication PMID: 35346344, PMCID: PMC8962531

NM_001035.3(RYR2):c.5285A>G (p.Gln1762Arg)

Gene: RYR2 (ryanodine receptor 2; plus strand). Cytogenetic location: 1q43.
Variant type: single nucleotide variant.
Coding change: c.5285A>G on transcript NM_001035.3 (MANE Select); coding-DNA position 5285, A replaced by G.
Protein change: p.Gln1762Arg; replaces glutamine 1762 with arginine.
Molecular consequence: missense variant.
Genome position (GRCh38, 1-based): chr1:237,614,413, A>G. VCF-style: chr1-237614413-A-G. GRCh37 (hg19) VCF-style: chr1-237777713-A-G.
Other names: short protein forms Q1762R.
Identifiers: ClinVar variation 2496725 (VCV002496725.7), dbSNP rs772846797, ClinGen allele CA345404695.